The following is an entry in ClinVar:

NM_000061.3(BTK):c.904G>A (p.Gly302Arg)

Gene: BTK (Bruton tyrosine kinase; minus strand). Cytogenetic location: Xq22.1.
Variant type: single nucleotide variant.
Coding change: c.904G>A on transcript NM_000061.3 (MANE Select); coding-DNA position 904, G replaced by A.
Protein change: p.Gly302Arg; replaces glycine 302 with arginine.
Molecular consequence: missense variant.
Genome position (GRCh38, 1-based): chrX:101,358,687, C>T on the plus strand (G>A on the coding strand, the complement: BTK is on the minus strand). VCF-style: chrX-101358687-C-T. GRCh37 (hg19) VCF-style: chrX-100613675-C-T.
Other names: c.1006G>A, p.Gly336Arg (NM_001287344.2); c.904G>A, p.Gly302Arg (NM_001287345.2); short protein forms G302R, G336R.
Identifiers: ClinVar variation 1710048 (VCV001710048.2), dbSNP rs2520574221, ClinGen allele CA413929292.
Genomic context (GRCh38, chrX:101,358,687, plus strand): 5'-TAGCAAACACAGACACTGTATATTTGCCAGCTTTGCTGGAGTCTCTGACAATGAAACCTC[C>T]TTCTTTCCCCTGAAACAACGAAAAAGAAGCTGTCTGTAGGAGGAAGTGGTGCTCACACCT-3'
Protein context (NP_000052.1, residues 292-312): EQLLKQEGKE[Gly302Arg]GFIVRDSSKA

ClinVar aggregate classification (germline): Likely pathogenic (1 of 4 stars; one submission).

Conditions:
X-linked agammaglobulinemia (XLA). Also called: Bruton-type agammaglobulinemia; Bruton's agammaglobulinemia; AGAMMAGLOBULINEMIA, X-LINKED, TYPE 1; Agammaglobulinemia, Bruton tyrosine kinase; Agammaglobulinemia, BTK; BTK-deficiency. Identifiers: Orphanet 229717, Orphanet 47, MedGen C0221026, MONDO:0010421, OMIM 300755.

Submission:

MGZ Medical Genetics Center
Classification: Likely pathogenic for X-linked agammaglobulinemia. Last evaluated: 2021-12-07. Review status: criteria provided, single submitter. Criteria: ACMG Guidelines, 2015. Collection method: clinical testing. Allele origin: germline. Affected: yes. Observed: 1 variant allele.
Comment: ACMG criteria applied: PS4, PM2_SUP, PP3